The following is an entry in ClinVar:

ClinVar aggregate classification (germline): Uncertain significance (1 of 4 stars; one submission).

Conditions:
Cystic fibrosis (CF). Also called: MUCOVISCIDOSIS. Identifiers: Orphanet 586, MedGen C0010674, MONDO:0009061, OMIM 219700. Disease mechanism: loss of function.

Submission:

Labcorp Genetics (formerly Invitae), Labcorp
Classification: Uncertain significance for Cystic fibrosis. Last evaluated: 2021-08-17. Review status: criteria provided, single submitter. Criteria: Invitae Variant Classification Sherloc (09022015). Collection method: clinical testing. Allele origin: germline.
Comment: Experimental studies and prediction algorithms are not available or were not evaluated, and the functional significance of this variant is currently unknown. In summary, the available evidence is currently insufficient to determine the role of this variant in disease. Therefore, it has been classified as a Variant of Uncertain Significance. Algorithms developed to predict the effect of sequence changes on RNA splicing suggest that this variant may create or strengthen a splice site. This variant has not been reported in the literature in individuals affected with CFTR-related conditions. This variant is not present in population databases (ExAC no frequency). This variant, c.2146_2147insTTTCCATTGTGC, is a complex sequence change that results in the deletion of one and insertion of five amino acid(s) in the CFTR protein (p.Lys716delinsIleSerIleValGln).

NM_000492.4(CFTR):c.2146_2147insTTTCCATTGTGC (p.Lys716delinsIleSerIleValGln)

Gene: CFTR (CF transmembrane conductance regulator; plus strand). Cytogenetic location: 7q31.2.
Variant type: Insertion.
Coding change: c.2146_2147insTTTCCATTGTGC on transcript NM_000492.4 (MANE Select); coding-DNA positions 2146 to 2147, TTTCCATTGTGC inserted.
Protein change: p.Lys716delinsIleSerIleValGln.
Molecular consequence: inframe indel.
Genome position: GRCh38 VCF-style: chr7-117592313-A-ATTTCCATTGTGC. GRCh37 (hg19) VCF-style: chr7-117232367-A-ATTTCCATTGTGC.
Identifiers: ClinVar variation 1407355 (VCV001407355.6), dbSNP rs2116032118, ClinGen allele CA2573141690.
Genomic context (GRCh38, chr7:117,592,313, plus strand): 5'-AAAAGGAAGAATTCTATTCTCAATCCAATCAACTCTATACGAAAATTTTCCATTGTGCAA[A>ATTTCCATTGTGC]AGACTCCCTTACAAATGAATGGCATCGAAGAGGATTCTGATGAGCCTTTAGAGAGAAGGC-3'